The following is an entry in ClinVar:

NM_001037.5(SCN1B):c.229_237del (p.Val77_Gln79del)

Gene: SCN1B (sodium voltage-gated channel beta subunit 1; plus strand). Cytogenetic location: 19q13.11.
Variant type: Deletion.
Coding change: c.229_237del on transcript NM_001037.5 (MANE Select); coding-DNA positions 229 to 237, 9 bases deleted (GTGTTGCAG; older notation c.229_237delGTGTTGCAG).
Protein change: p.Val77_Gln79del.
Molecular consequence: inframe deletion.
Genome position (GRCh38, 1-based): chr19:35,033,520-35,033,528, GTGTTGCAG deleted; deleting any 9 consecutive bases within chr19:35,033,518-35,033,528 gives the same sequence; the c. name uses the placement nearest the transcript's 3' end. VCF-style (leftmost placement, unchanged base first): chr19-35033517-GAGGTGTTGC-G. GRCh37 (hg19) VCF-style: chr19-35524421-GAGGTGTTGC-G.
Other names: c.130_138del, p.Val44_Gln46del (NM_001321605.2); c.229_237del, p.Val77_Gln79del (NM_199037.5).
Identifiers: ClinVar variation 4819174 (VCV004819174.1).

ClinVar aggregate classification (germline): Uncertain significance (1 of 4 stars; one submission).

Conditions:
Generalized epilepsy with febrile seizures plus, type 1 (GEFSP1). Also called: GEFS+, TYPE 1. Identifiers: Orphanet 36387, MedGen C1858672, MONDO:0011416, OMIM 604233.

Submission:

Institute of Human Genetics, University of Leipzig Medical Center
Classification: Uncertain significance for Generalized epilepsy with febrile seizures plus, type 1. Last evaluated: 2026-02-16. Review status: criteria provided, single submitter. Criteria: ACMG Guidelines, 2015. Collection method: clinical testing. Allele origin: unknown. Inheritance: Autosomal dominant inheritance. Affected: yes.
Comment: Criteria applied: PM4,PM2_SUP